The following is an entry in ClinVar:

ClinVar aggregate classification (germline): Uncertain significance (1 of 4 stars; one submission).

gnomAD v4.1: 6 of 1,613,342 alleles (0.00037%); highest among the groups gnomAD compares: Non-Finnish European, 0.00042%; no homozygotes.

Submission:

Labcorp Genetics (formerly Invitae), Labcorp
Classification: Uncertain significance. Last evaluated: 2022-10-05. Review status: criteria provided, single submitter. Criteria: Invitae Variant Classification Sherloc (09022015). Collection method: clinical testing. Allele origin: germline.
Comment: This sequence change replaces glutamine, which is neutral and polar, with leucine, which is neutral and non-polar, at codon 1492 of the KIAA1549 protein (p.Gln1492Leu). This variant is not present in population databases (gnomAD no frequency). This variant has not been reported in the literature in individuals affected with KIAA1549-related conditions. Algorithms developed to predict the effect of missense changes on protein structure and function (SIFT, PolyPhen-2, Align-GVGD) all suggest that this variant is likely to be disruptive. In summary, the available evidence is currently insufficient to determine the role of this variant in disease. Therefore, it has been classified as a Variant of Uncertain Significance.

NM_001164665.2(KIAA1549):c.4475A>T (p.Gln1492Leu)

Gene: KIAA1549 (KIAA1549; minus strand). Cytogenetic location: 7q34.
Variant type: single nucleotide variant.
Coding change: c.4475A>T on transcript NM_001164665.2 (MANE Select); coding-DNA position 4475, A replaced by T.
Protein change: p.Gln1492Leu; replaces glutamine 1492 with leucine.
Molecular consequence: missense variant.
Genome position (GRCh38, 1-based): chr7:138,871,233, T>A on the plus strand (A>T on the coding strand, the complement: KIAA1549 is on the minus strand). VCF-style: chr7-138871233-T-A. GRCh37 (hg19) VCF-style: chr7-138555979-T-A.
Other names: c.4475A>T, p.Gln1492Leu (NM_020910.3); short protein forms Q1492L.
Identifiers: ClinVar variation 1946861 (VCV001946861.5), dbSNP rs761630834, ClinGen allele CA4505888.